The following is an entry in ClinVar:

ClinVar aggregate classification (germline): Likely pathogenic. Review status: criteria provided, multiple submitters, no conflicts (2 of 4 stars). 2 submissions from 2 submitters: Likely pathogenic (2). Last evaluated 2025-06-12.

Conditions:
Familial X-linked hypophosphatemic vitamin D refractory rickets (XLHRD). Also called: X-Linked Hypophosphatemia; Hypophosphatemia, vitamin D-resistant rickets; Vitamin D-resistant rickets, X-linked; Hypophosphatemic Rickets, X-Linked Dominant; HYPOPHOSPHATEMIC VITAMIN D-RESISTANT RICKETS. Identifiers: Orphanet 89936, MedGen C0733682, MONDO:0010619, OMIM 307800.

gnomAD v4.1: 1 of 1,203,838 alleles (0.000083%); no homozygotes.

Submissions (2):

Mendelics
Classification: Likely pathogenic for Familial X-linked hypophosphatemic vitamin D refractory rickets. Last evaluated: 2025-06-12. Review status: criteria provided, single submitter. Criteria: ACMG Guidelines, 2015. Collection method: clinical testing. Allele origin: unknown.
Comment: Variant with GnomAD 4.1.0 with frequency 8.307e-7 and no homozygotes. Compatible with phenotype of 4 non related cases with symptoms suggestive of hypophosphatemic rickets. In-silico predictors pathogenic: PolyPhen 0.999, CADD 29.2 and REVEL 0.960. Protein sequence and biophysical properties modeling performed by Invitae suggests gene function disruption.

Labcorp Genetics (formerly Invitae), Labcorp
Classification: Likely pathogenic. Last evaluated: 2023-08-17. Review status: criteria provided, single submitter. Criteria: Invitae Variant Classification Sherloc (09022015). Collection method: clinical testing. Allele origin: germline.
Comment: Advanced modeling of protein sequence and biophysical properties (such as structural, functional, and spatial information, amino acid conservation, physicochemical variation, residue mobility, and thermodynamic stability) performed at Invitae indicates that this missense variant is expected to disrupt PHEX protein function. ClinVar contains an entry for this variant (Variation ID: 1060711). This missense change has been observed in individual(s) with X-linked hypophosphatemia (Invitae). This variant is not present in population databases (gnomAD no frequency). This sequence change replaces alanine, which is neutral and non-polar, with threonine, which is neutral and polar, at codon 645 of the PHEX protein (p.Ala645Thr). In summary, the currently available evidence indicates that the variant is pathogenic, but additional data are needed to prove that conclusively. Therefore, this variant has been classified as Likely Pathogenic.

NM_000444.6(PHEX):c.1933G>A (p.Ala645Thr)

Genes: PHEX (phosphate regulating endopeptidase X-linked; plus strand), PTCHD1-AS (PTCHD1 and PHEX antisense RNA; minus strand). Cytogenetic location: Xp22.11.
Variant type: single nucleotide variant.
Coding change: c.1933G>A on transcript NM_000444.6 (MANE Select); coding-DNA position 1933, G replaced by A.
Protein change: p.Ala645Thr; replaces alanine 645 with threonine.
Molecular consequence: missense variant.
Genome position (GRCh38, 1-based): chrX:22,226,476, G>A. VCF-style: chrX-22226476-G-A. GRCh37 (hg19) VCF-style: chrX-22244593-G-A.
Other names: c.1933G>A, p.Ala645Thr (NM_001282754.2); short protein forms A645T.
Identifiers: ClinVar variation 1060711 (VCV001060711.10), dbSNP rs2147183142, ClinGen allele CA412574196.